The following is an entry in ClinVar:

NM_144687.4(NLRP12):c.1645G>A (p.Ala549Thr)

Gene: NLRP12 (NLR family pyrin domain containing 12; minus strand). Cytogenetic location: 19q13.42.
Variant type: single nucleotide variant.
Coding change: c.1645G>A on transcript NM_144687.4 (MANE Select); coding-DNA position 1645, G replaced by A.
Protein change: p.Ala549Thr; replaces alanine 549 with threonine.
Molecular consequence: missense variant.
Genome position (GRCh38, 1-based): chr19:53,810,014, C>T on the plus strand (G>A on the coding strand, the complement: NLRP12 is on the minus strand). VCF-style: chr19-53810014-C-T. GRCh37 (hg19) VCF-style: chr19-54313268-C-T.
Other names: c.1645G>A, p.Ala549Thr (NM_001277126.2, NM_001277129.1); c.1645G>A (NM_144687.2); short protein forms A549T.
Identifiers: ClinVar variation 1432553 (VCV001432553.7), dbSNP rs761571455, ClinGen allele CA9639383.

ClinVar aggregate classification (germline): Uncertain significance. Review status: criteria provided, multiple submitters, no conflicts (2 of 4 stars). 2 submissions from 2 submitters: Uncertain significance (2). Last evaluated 2026-02-03.

Conditions:
Inborn genetic diseases. Identifiers: MedGen C0950123, MeSH D030342.
Familial cold autoinflammatory syndrome 2 (FCAS2). Identifiers: Orphanet 247868, MedGen C2673198, MONDO:0012724, OMIM 611762.

Allele frequency attached by ClinVar (database versions not stated): gnomAD 0.00003.
gnomAD v4.1: 17 of 1,613,982 alleles (0.0011%); highest among the groups gnomAD compares: South Asian, 0.0033%; no homozygotes.

Submissions (2):

Labcorp Genetics (formerly Invitae), Labcorp
Classification: Uncertain significance for Familial cold autoinflammatory syndrome 2. Last evaluated: 2026-02-03. Review status: criteria provided, single submitter. Criteria: Invitae Variant Classification Sherloc (09022015). Collection method: clinical testing. Allele origin: germline.
Comment: This sequence change replaces alanine, which is neutral and non-polar, with threonine, which is neutral and polar, at codon 549 of the NLRP12 protein (p.Ala549Thr). This variant is present in population databases (rs761571455, gnomAD 0.004%). This variant has not been reported in the literature in individuals affected with NLRP12-related conditions. ClinVar contains an entry for this variant (Variation ID: 1432553). Invitae Evidence Modeling of protein sequence and biophysical properties (such as structural, functional, and spatial information, amino acid conservation, physicochemical variation, residue mobility, and thermodynamic stability) indicates that this missense variant is not expected to disrupt NLRP12 protein function with a negative predictive value of 80%. In summary, the available evidence is currently insufficient to determine the role of this variant in disease. Therefore, it has been classified as a Variant of Uncertain Significance.

Ambry Genetics
Classification: Uncertain significance for Inborn genetic diseases. Last evaluated: 2022-10-26. Review status: criteria provided, single submitter. Criteria: Ambry Variant Classification Scheme 2023. Collection method: clinical testing. Allele origin: germline.